The following is an entry in ClinVar:

ClinVar aggregate classification (germline): Likely benign. Review status: criteria provided, single submitter (1 of 4 stars). 2 submissions from 2 submitters: Likely benign (1). 1 of the submissions does not count toward it. Last evaluated 2026-01-28.

Conditions:
EXOC6B-related disorder. Also called: EXOC6B-related condition.

Allele frequency attached by ClinVar (database versions not stated): gnomAD exomes 0.00019 and 0.00035; ExAC 0.00091; ESP Exome Variant Server 0.00099; gnomAD 0.00230 and 0.00242; TOPMed 0.00271; 1000 Genomes Project 0.00339; 1000 Genomes Project 30x 0.00375.
gnomAD v4.1: 640 of 1,561,626 alleles (0.041%); highest among the groups gnomAD compares: African/African-American, 0.73%; 2 homozygotes.

Submissions (2):

Labcorp Genetics (formerly Invitae), Labcorp
Classification: Likely benign. Last evaluated: 2026-01-28. Review status: criteria provided, single submitter. Criteria: Invitae Variant Classification Sherloc (09022015). Collection method: clinical testing. Allele origin: germline.

PreventionGenetics, part of Exact Sciences
Classification: Likely benign for EXOC6B-related condition. Last evaluated: 2019-04-11. Review status: no assertion criteria provided. Collection method: clinical testing. Allele origin: germline. Not counted in ClinVar's aggregate classification.
Comment: This variant is classified as likely benign based on ACMG/AMP sequence variant interpretation guidelines (Richards et al. 2015 PMID: 25741868, with internal and published modifications).

NM_015189.3(EXOC6B):c.2289T>C (p.Thr763=)

Gene: EXOC6B (exocyst complex component 6B; minus strand). Cytogenetic location: 2p13.2.
Variant type: single nucleotide variant.
Coding change: c.2289T>C on transcript NM_015189.3 (MANE Select); coding-DNA position 2289, T replaced by C.
Protein change: p.Thr763=; no amino-acid change (threonine 763 retained).
Molecular consequence: synonymous variant. On other transcripts: non-coding transcript variant (2).
Genome position (GRCh38, 1-based): chr2:72,184,095, A>G on the plus strand (T>C on the coding strand, the complement: EXOC6B is on the minus strand). VCF-style: chr2-72184095-A-G. GRCh37 (hg19) VCF-style: chr2-72411224-A-G.
Other names: c.2289T>C, p.Thr763= (NM_001321729.2, NM_001321731.2); c.2154T>C, p.Thr718= (NM_001321730.2, NM_001321733.2); c.1950T>C, p.Thr650= (NM_001321734.2); c.2289T>C (NM_015189.2).
Identifiers: ClinVar variation 727229 (VCV000727229.11), dbSNP rs143694876, ClinGen allele CA1708241.
Genomic context (GRCh38, chr2:72,184,095, plus strand): 5'-TCCCCACCTCCCAACACAGACCATTGGACAAGGTACTCACTTCTCAAGCAGGGTCAGAGC[A>G]GTCACTGGGTTTACCCGGAGGTACTTGCAGTTGGGCTGACCATAGTCAGCAAGGTAGGTT-3'
Protein context (NP_056004.1, residues 753-773): NCKYLRVNPV[Thr763=]ALTLLEKMKD